The following is an entry in ClinVar:

NM_001005242.3(PKP2):c.217G>T (p.Gly73Cys)

Gene: PKP2 (plakophilin 2; minus strand). Cytogenetic location: 12p11.21.
Variant type: single nucleotide variant.
Coding change: c.217G>T on transcript NM_001005242.3 (MANE Select); coding-DNA position 217, G replaced by T.
Protein change: p.Gly73Cys; replaces glycine 73 with cysteine.
Molecular consequence: missense variant.
Genome position (GRCh38, 1-based): chr12:32,896,515, C>A on the plus strand (G>T on the coding strand, the complement: PKP2 is on the minus strand). VCF-style: chr12-32896515-C-A. GRCh37 (hg19) VCF-style: chr12-33049449-C-A.
Other names: c.217G>T, p.Gly73Cys (NM_004572.4); short protein forms G73C.
Identifiers: ClinVar variation 1331855 (VCV001331855.3), dbSNP rs2138009825, ClinGen allele CA384370414.

ClinVar aggregate classification (germline): Uncertain significance (1 of 4 stars; one submission).

Conditions:
Cardiomyopathy (CMYO). Also called: Cardiomyopathies. Identifiers: Orphanet 167848, MedGen C0878544, MONDO:0004994, HP:0001638. Inheritance: Various modes of inheritance.

Submission:

Color Diagnostics, LLC DBA Color Health
Classification: Uncertain significance for Cardiomyopathy. Last evaluated: 2024-03-07. Review status: criteria provided, single submitter. Criteria: ACMG Guidelines, 2015. Collection method: clinical testing. Allele origin: germline.
Comment: This missense variant replaces glycine with cysteine at codon 73 of the PKP2 protein. Computational prediction suggests that this variant may not impact protein structure and function (internally defined REVEL score threshold <= 0.5, PMID: 27666373). To our knowledge, functional studies have not been reported for this variant. This variant has not been reported in individuals affected with cardiovascular disorders in the literature. This variant has not been identified in the general population by the Genome Aggregation Database (gnomAD). The available evidence is insufficient to determine the role of this variant in disease conclusively. Therefore, this variant is classified as a Variant of Uncertain Significance.